The following is an entry in ClinVar:

ClinVar aggregate classification (germline): Benign/Likely benign. Review status: criteria provided, multiple submitters, no conflicts (2 of 4 stars). 2 submissions from 2 submitters: Benign (1); Likely benign (1). Last evaluated 2026-02-16.

Conditions:
Hereditary cancer-predisposing syndrome. Also called: Hereditary Cancer Syndrome; Neoplastic Syndromes, Hereditary; Tumor predisposition; Hereditary neoplastic syndrome. Identifiers: Orphanet 140162, MedGen C0027672, MeSH D009386, MONDO:0015356.
Familial cancer of breast. Also called: BREAST CANCER, FAMILIAL; hereditary breast carcinoma; Hereditary breast cancer. Identifiers: Orphanet 227535, MedGen C0346153, MONDO:0016419, OMIM 114480. Disease mechanism: loss of function.

Submissions (2):

Ambry Genetics
Classification: Likely benign for Hereditary cancer-predisposing syndrome. Last evaluated: 2026-02-16. Review status: criteria provided, single submitter. Criteria: Ambry Variant Classification Scheme 2023. Collection method: clinical testing. Allele origin: germline.

Myriad Genetics, Inc.
Classification: Benign for Familial cancer of breast. Last evaluated: 2024-10-03. Review status: criteria provided, single submitter. Criteria: Myriad Autosomal Dominant, Autosomal Recessive and X-Linked Classification Criteria (2023). Collection method: clinical testing. Allele origin: unknown.
Comment: This variant is considered benign. This variant is a silent/synonymous amino acid change and it is not expected to impact splicing.

NM_007194.4(CHEK2):c.801T>C (p.Ala267=)

Gene: CHEK2 (checkpoint kinase 2; minus strand). Cytogenetic location: 22q12.1.
Variant type: single nucleotide variant.
Coding change: c.801T>C on transcript NM_007194.4 (MANE Select); coding-DNA position 801, T replaced by C.
Protein change: p.Ala267=; no amino-acid change (alanine 267 retained).
Molecular consequence: synonymous variant.
Genome position (GRCh38, 1-based): chr22:28,710,051, A>G on the plus strand (T>C on the coding strand, the complement: CHEK2 is on the minus strand). VCF-style: chr22-28710051-A-G. GRCh37 (hg19) VCF-style: chr22-29106039-A-G.
Other names: c.930T>C, p.Ala310= (NM_001005735.3); c.138T>C, p.Ala46= (NM_001257387.3); c.600T>C, p.Ala200= (NM_001349956.3); c.801T>C, p.Ala267= (NM_145862.3); c.801T>C (NM_007194.3).
Identifiers: ClinVar variation 3773589 (VCV003773589.2).